The following is an entry in ClinVar:

ClinVar aggregate classification (germline): Conflicting classifications of pathogenicity. Review status: criteria provided, conflicting classifications (1 of 4 stars). 8 submissions from 8 submitters: Uncertain significance (7); Likely benign (1). Last evaluated 2025-09-05.

Conditions:
Lynch syndrome. Identifiers: Orphanet 144, MedGen C4552100, MONDO:0005835. Disease mechanism: loss of function.
Hereditary nonpolyposis colorectal neoplasms. Identifiers: MedGen C0009405, MeSH D003123.
Hereditary cancer-predisposing syndrome. Also called: Neoplastic Syndromes, Hereditary; Hereditary Cancer Syndrome; Tumor predisposition; Hereditary neoplastic syndrome. Identifiers: Orphanet 140162, MedGen C0027672, MeSH D009386, MONDO:0015356.
Endometrial carcinoma. Also called: Endometrial carcinoma, somatic. Identifiers: MedGen C0476089, MONDO:0002447, OMIM 608089, HP:0012114.

Allele frequency attached by ClinVar (database versions not stated): gnomAD exomes below 0.00001.

Submissions (8):

Labcorp Genetics (formerly Invitae), Labcorp
Classification: Likely benign for Hereditary nonpolyposis colorectal neoplasms. Last evaluated: 2025-09-05. Review status: criteria provided, single submitter. Criteria: Invitae Variant Classification Sherloc (09022015). Collection method: clinical testing. Allele origin: germline.

CeGaT Center for Human Genetics Tuebingen
Classification: Uncertain significance. Last evaluated: 2025-09-01. Review status: criteria provided, single submitter. Criteria: CeGaT Center For Human Genetics Tuebingen Variant Classification Criteria Version 2. Collection method: clinical testing. Allele origin: germline. Affected: yes. Observed: 1 variant allele.
Comment: MSH6: PM2, BP1

Baylor Genetics
Classification: Uncertain significance for Endometrial carcinoma. Last evaluated: 2024-03-29. Review status: criteria provided, single submitter. Criteria: ACMG Guidelines, 2015. Collection method: clinical testing. Allele origin: unknown.

Ambry Genetics
Classification: Uncertain significance for Hereditary cancer-predisposing syndrome. Last evaluated: 2024-03-06. Review status: criteria provided, single submitter. Criteria: Ambry Variant Classification Scheme 2023. Collection method: clinical testing. Allele origin: germline.
Comment: The p.M1137T variant (also known as c.3410T>C), located in coding exon 5 of the MSH6 gene, results from a T to C substitution at nucleotide position 3410. The methionine at codon 1137 is replaced by threonine, an amino acid with similar properties. This amino acid position is highly conserved in available vertebrate species. In addition, this alteration is predicted to be deleterious by in silico analysis. Based on the available evidence, the clinical significance of this alteration remains unclear.

GeneDx
Classification: Uncertain significance. Last evaluated: 2024-02-20. Review status: criteria provided, single submitter. Criteria: GeneDx Variant Classification Process June 2021. Collection method: clinical testing. Allele origin: germline. Affected: yes.
Comment: Not observed at significant frequency in large population cohorts (gnomAD); In silico analysis supports that this missense variant has a deleterious effect on protein structure/function; Observed in cancer free controls and not observed in an biliary tract cancer cases (PMID: 36243179); This variant is associated with the following publications: (PMID: 12019211, 17531815, 21120944, 36243179)

All of Us Research Program, National Institutes of Health
Classification: Uncertain significance for Lynch syndrome. Last evaluated: 2023-06-26. Review status: criteria provided, single submitter. Criteria: ACMG Guidelines, 2015. Collection method: clinical testing. Allele origin: germline. Inheritance: Autosomal dominant inheritance. Observed: 1 variant allele, 1 heterozygote.
Comment: This missense variant replaces methionine with threonine at codon 1137 of the MSH6 protein. Computational prediction suggests that this variant may have deleterious impact on protein structure and function (internally defined REVEL score threshold >= 0.7, PMID: 27666373). To our knowledge, functional studies have not been reported for this variant. This variant has not been reported in individuals affected with MSH6-related disorders in the literature. This variant has not been identified in the general population by the Genome Aggregation Database (gnomAD). The available evidence is insufficient to determine the role of this variant in disease conclusively. Therefore, this variant is classified as a Variant of Uncertain Significance.

This study involves interpretation of variants in research participants for the purpose of population health screening. Participant phenotype was not available at the time of variant classification. Additional details can be found in publication PMID: 35346344, PMCID: PMC8962531

Color Diagnostics, LLC DBA Color Health
Classification: Uncertain significance for Hereditary cancer-predisposing syndrome. Last evaluated: 2023-06-01. Review status: criteria provided, single submitter. Criteria: ACMG Guidelines, 2015. Collection method: clinical testing. Allele origin: germline.
Comment: This missense variant replaces methionine with threonine at codon 1137 of the MSH6 protein. Computational prediction suggests that this variant may have deleterious impact on protein structure and function (internally defined REVEL score threshold >= 0.7, PMID: 27666373). To our knowledge, functional studies have not been reported for this variant. This variant has not been reported in individuals affected with MSH6-related disorders in the literature. This variant has not been identified in the general population by the Genome Aggregation Database (gnomAD). The available evidence is insufficient to determine the role of this variant in disease conclusively. Therefore, this variant is classified as a Variant of Uncertain Significance.

Women's Health and Genetics/Laboratory Corporation of America, LabCorp
Classification: Uncertain significance. Last evaluated: 2019-06-25. Review status: criteria provided, single submitter. Criteria: LabCorp Variant Classification Summary - May 2015. Collection method: clinical testing. Allele origin: germline.
Comment: Variant summary: MSH6 c.3410T>C (p.Met1137Thr) results in a non-conservative amino acid change located in the C-terminal (IPR000432) of the encoded protein sequence. Five of five in-silico tools predict a damaging effect of the variant on protein function. The variant was absent in 251346 control chromosomes (gnomAD). The available data on variant occurrences in the general population are insufficient to allow any conclusion about variant significance. To our knowledge, no occurrence of c.3410T>C in individuals affected with Hereditary Non-Polyposis Colon Cancer and no experimental evidence demonstrating its impact on protein function have been reported. A ClinVar submission from a clinical diagnostic laboratory (evaluation after 2014) cites the variant as uncertain significance. Based on the evidence outlined above, the variant was classified as VUS - possibly benign.

NM_000179.3(MSH6):c.3410T>C (p.Met1137Thr)

Gene: MSH6 (mutS homolog 6; plus strand). Cytogenetic location: 2p16.3.
Variant type: single nucleotide variant.
Coding change: c.3410T>C on transcript NM_000179.3 (MANE Select); coding-DNA position 3410, T replaced by C.
Protein change: p.Met1137Thr; replaces methionine 1137 with threonine.
Molecular consequence: missense variant.
Genome position (GRCh38, 1-based): chr2:47,803,657, T>C. VCF-style: chr2-47803657-T-C. GRCh37 (hg19) VCF-style: chr2-48030796-T-C.
Other names: c.3020T>C, p.Met1007Thr (NM_001281492.2); c.2504T>C, p.Met835Thr (NM_001281493.2, NM_001281494.2); short protein forms M1137T, M835T, M1007T.
Identifiers: ClinVar variation 525720 (VCV000525720.24), dbSNP rs1553331742, ClinGen allele CA346758901.